The following is an entry in ClinVar:

ClinVar aggregate classification (germline): Likely benign (0 of 4 stars; one submission).

Conditions:
TXNL4A-related disorder. Also called: TXNL4A-related condition.

Allele frequency attached by ClinVar (database versions not stated): gnomAD exomes 0.00001; ExAC 0.00002; TOPMed 0.00002.
gnomAD v4.1: 11 of 1,600,224 alleles (0.00069%); highest among the groups gnomAD compares: Admixed American, 0.014%; no homozygotes.

Submission:

PreventionGenetics, part of Exact Sciences
Classification: Likely benign for TXNL4A-related condition. Last evaluated: 2019-09-26. Review status: no assertion criteria provided. Collection method: clinical testing. Allele origin: germline.
Comment: This variant is classified as likely benign based on ACMG/AMP sequence variant interpretation guidelines (Richards et al. 2015 PMID: 25741868, with internal and published modifications).

NM_006701.5(TXNL4A):c.168A>G (p.Ala56=)

Gene: TXNL4A (thioredoxin like 4A; minus strand). Cytogenetic location: 18q23.
Variant type: single nucleotide variant.
Coding change: c.168A>G on transcript NM_006701.5 (MANE Select); coding-DNA position 168, A replaced by G.
Protein change: p.Ala56=; no amino-acid change (alanine 56 retained).
Molecular consequence: synonymous variant. On other transcripts: 5 prime UTR variant (2), non-coding transcript variant (2).
Genome position (GRCh38, 1-based): chr18:79,977,687, T>C on the plus strand (A>G on the coding strand, the complement: TXNL4A is on the minus strand). VCF-style: chr18-79977687-T-C. GRCh37 (hg19) VCF-style: chr18-77737687-T-C.
Other names: c.51A>G, p.Ala17= (NM_001303471.3); c.144A>G, p.Ala48= (NM_001305557.2); c.-46A>G (NM_001305563.2, NM_001305564.2).
Identifiers: ClinVar variation 3040549 (VCV003040549.2), dbSNP rs762744869, ClinGen allele CA9011642.
Genomic context (GRCh38, chr18:79,977,687, plus strand): 5'-GTATAACTCATACATTTTGTTGAAGTCAGGCACTTCTGTAATATCCACAAGATAAATAAC[T>C]GCAAAATTTTTAACCTAAAAGGAGATTAAAAAAAAAAACTGAAATAACAGAACACTTTGG-3'
Protein context (NP_006692.1, residues 46-66): YSIAEKVKNF[Ala56=]VIYLVDITEV